The following is an entry in ClinVar:

NM_002470.4(MYH3):c.2593G>A (p.Ala865Thr)

Gene: MYH3 (myosin heavy chain 3; minus strand). Cytogenetic location: 17p13.1.
Variant type: single nucleotide variant.
Coding change: c.2593G>A on transcript NM_002470.4 (MANE Select); coding-DNA position 2593, G replaced by A.
Protein change: p.Ala865Thr; replaces alanine 865 with threonine.
Molecular consequence: missense variant.
Genome position (GRCh38, 1-based): chr17:10,640,085, C>T on the plus strand (G>A on the coding strand, the complement: MYH3 is on the minus strand). VCF-style: chr17-10640085-C-T. GRCh37 (hg19) VCF-style: chr17-10543402-C-T.
Other names: short protein forms A865T.
Identifiers: ClinVar variation 2173265 (VCV002173265.4), dbSNP rs749135269, ClinGen allele CA8392735.

ClinVar aggregate classification (germline): Uncertain significance (1 of 4 stars; one submission).

Allele frequency attached by ClinVar (database versions not stated): ExAC 0.00001.
gnomAD v4.1: 5 of 1,614,132 alleles (0.00031%); highest among the groups gnomAD compares: Admixed American, 0.0017%; no homozygotes.

Submission:

Labcorp Genetics (formerly Invitae), Labcorp
Classification: Uncertain significance. Last evaluated: 2022-05-04. Review status: criteria provided, single submitter. Criteria: Invitae Variant Classification Sherloc (09022015). Collection method: clinical testing. Allele origin: germline.
Comment: In summary, the available evidence is currently insufficient to determine the role of this variant in disease. Therefore, it has been classified as a Variant of Uncertain Significance. Algorithms developed to predict the effect of missense changes on protein structure and function are either unavailable or do not agree on the potential impact of this missense change (SIFT: "Deleterious"; PolyPhen-2: "Benign"; Align-GVGD: "Class C55"). This variant has not been reported in the literature in individuals affected with MYH3-related conditions. This variant is present in population databases (rs749135269, gnomAD 0.003%). This sequence change replaces alanine, which is neutral and non-polar, with threonine, which is neutral and polar, at codon 865 of the MYH3 protein (p.Ala865Thr).